The following is an entry in ClinVar:

ClinVar aggregate classification (germline): Uncertain significance (1 of 4 stars; one submission).

Conditions:
Hajdu-Cheney syndrome (HJCYS). Also called: SERPENTINE FIBULA-POLYCYSTIC KIDNEY SYNDROME; ACROOSTEOLYSIS WITH OSTEOPOROSIS AND CHANGES IN SKULL AND MANDIBLE; Acroosteolysis dominant type. Identifiers: Orphanet 955, MedGen C0917715, MONDO:0007057, OMIM 102500.

Allele frequency attached by ClinVar (database versions not stated): gnomAD exomes below 0.00001.
gnomAD v4.1: 1 of 1,614,192 alleles (0.000062%); highest among the groups gnomAD compares: Admixed American, 0.0017%; no homozygotes.

Submission:

Labcorp Genetics (formerly Invitae), Labcorp
Classification: Uncertain significance for Hajdu-Cheney syndrome. Last evaluated: 2023-04-26. Review status: criteria provided, single submitter. Criteria: Invitae Variant Classification Sherloc (09022015). Collection method: clinical testing. Allele origin: germline.
Comment: This sequence change replaces aspartic acid, which is acidic and polar, with valine, which is neutral and non-polar, at codon 1644 of the NOTCH2 protein (p.Asp1644Val). In summary, the available evidence is currently insufficient to determine the role of this variant in disease. Therefore, it has been classified as a Variant of Uncertain Significance. Advanced modeling of protein sequence and biophysical properties (such as structural, functional, and spatial information, amino acid conservation, physicochemical variation, residue mobility, and thermodynamic stability) performed at Invitae indicates that this missense variant is not expected to disrupt NOTCH2 protein function. This variant has not been reported in the literature in individuals affected with NOTCH2-related conditions. This variant is present in population databases (no rsID available, gnomAD 0.003%).

NM_024408.4(NOTCH2):c.4931A>T (p.Asp1644Val)

Gene: NOTCH2 (notch receptor 2; minus strand). Cytogenetic location: 1p12.
Variant type: single nucleotide variant.
Coding change: c.4931A>T on transcript NM_024408.4 (MANE Select); coding-DNA position 4931, A replaced by T.
Protein change: p.Asp1644Val; replaces aspartic acid 1644 with valine.
Molecular consequence: missense variant.
Genome position (GRCh38, 1-based): chr1:119,922,707, T>A on the plus strand (A>T on the coding strand, the complement: NOTCH2 is on the minus strand). VCF-style: chr1-119922707-T-A. GRCh37 (hg19) VCF-style: chr1-120465330-T-A.
Other names: short protein forms D1644V.
Identifiers: ClinVar variation 2857971 (VCV002857971.3), dbSNP rs1324966545, ClinGen allele CA341888090.